The following is an entry in ClinVar:

ClinVar aggregate classification (germline): Uncertain significance. Review status: criteria provided, multiple submitters, no conflicts (2 of 4 stars). 3 submissions from 3 submitters: Uncertain significance (2). 1 of the submissions does not count toward it. Last evaluated 2025-04-18.

Conditions:
Familial cancer of breast. Also called: BREAST CANCER, FAMILIAL; Hereditary breast cancer; hereditary breast carcinoma. Identifiers: Orphanet 227535, MedGen C0346153, MONDO:0016419, OMIM 114480. Disease mechanism: loss of function.
Hereditary cancer-predisposing syndrome. Also called: Hereditary neoplastic syndrome; Neoplastic Syndromes, Hereditary; Tumor predisposition; Hereditary Cancer Syndrome. Identifiers: Orphanet 140162, MedGen C0027672, MeSH D009386, MONDO:0015356.

Submissions (3):

Labcorp Genetics (formerly Invitae), Labcorp
Classification: Uncertain significance for Familial cancer of breast. Last evaluated: 2025-04-18. Review status: criteria provided, single submitter. Criteria: Invitae Variant Classification Sherloc (09022015). Collection method: clinical testing. Allele origin: germline.
Comment: This sequence change replaces lysine, which is basic and polar, with glutamine, which is neutral and polar, at codon 25 of the PALB2 protein (p.Lys25Gln). This variant is not present in population databases (gnomAD no frequency). This variant has not been reported in the literature in individuals affected with PALB2-related conditions. ClinVar contains an entry for this variant (Variation ID: 830088). An algorithm developed to predict the effect of missense changes on protein structure and function (PolyPhen-2) suggests that this variant is likely to be disruptive. In summary, the available evidence is currently insufficient to determine the role of this variant in disease. Therefore, it has been classified as a Variant of Uncertain Significance.

Ambry Genetics
Classification: Uncertain significance for Hereditary cancer-predisposing syndrome. Last evaluated: 2022-11-02. Review status: criteria provided, single submitter. Criteria: Ambry Variant Classification Scheme 2023. Collection method: clinical testing. Allele origin: germline.
Comment: The p.K25Q variant (also known as c.73A>C), located in coding exon 2 of the PALB2 gene, results from an A to C substitution at nucleotide position 73. The lysine at codon 25 is replaced by glutamine, an amino acid with similar properties. This amino acid position is highly conserved in available vertebrate species. In addition, this alteration is predicted to be tolerated by in silico analysis. Since supporting evidence is limited at this time, the clinical significance of this alteration remains unclear.

Leiden Open Variation Database
Classification: Uncertain significance. Last evaluated: 2018-10-10. Review status: no assertion criteria provided. Collection method: curation. Allele origin: germline. Affected: yes. Not counted in ClinVar's aggregate classification.
Comment: Curators: Marc Tischkowitz, Arleen D. Auerbach. Submitter to LOVD: Yukihide Momozawa.

Literature cited by the submitters: PubMed 30287823 (cited by Leiden Open Variation Database).

NM_024675.4(PALB2):c.73A>C (p.Lys25Gln)

Gene: PALB2 (partner and localizer of BRCA2; minus strand). Cytogenetic location: 16p12.2.
Variant type: single nucleotide variant.
Coding change: c.73A>C on transcript NM_024675.4 (MANE Select); coding-DNA position 73, A replaced by C.
Protein change: p.Lys25Gln; replaces lysine 25 with glutamine.
Molecular consequence: missense variant.
Genome position (GRCh38, 1-based): chr16:23,638,105, T>G on the plus strand (A>C on the coding strand, the complement: PALB2 is on the minus strand). VCF-style: chr16-23638105-T-G. GRCh37 (hg19) VCF-style: chr16-23649426-T-G.
Other names: short protein forms K25Q.
Identifiers: ClinVar variation 830088 (VCV000830088.4), dbSNP rs1248579792, ClinGen allele CA395139813.